The following is an entry in ClinVar:

ClinVar aggregate classification (germline): Uncertain significance. Review status: criteria provided, multiple submitters, no conflicts (2 of 4 stars). 2 submissions from 2 submitters: Uncertain significance (2). Last evaluated 2024-06-11.

Allele frequency attached by ClinVar (database versions not stated): gnomAD 0.00001; gnomAD exomes 0.00001; ExAC 0.00002; TOPMed 0.00002.
gnomAD v4.1: 9 of 1,614,040 alleles (0.00056%); highest among the groups gnomAD compares: Admixed American, 0.013%; no homozygotes.

Submissions (2):

GeneDx
Classification: Uncertain significance. Last evaluated: 2024-06-11. Review status: criteria provided, single submitter. Criteria: GeneDx Variant Classification Process June 2021. Collection method: clinical testing. Allele origin: germline. Affected: yes.
Comment: In silico analysis supports that this missense variant has a deleterious effect on protein structure/function; Has not been previously published as pathogenic or benign to our knowledge

Labcorp Genetics (formerly Invitae), Labcorp
Classification: Uncertain significance. Last evaluated: 2023-07-28. Review status: criteria provided, single submitter. Criteria: Invitae Variant Classification Sherloc (09022015). Collection method: clinical testing. Allele origin: germline.
Comment: This variant has not been reported in the literature in individuals affected with EPHB4-related conditions. Advanced modeling of protein sequence and biophysical properties (such as structural, functional, and spatial information, amino acid conservation, physicochemical variation, residue mobility, and thermodynamic stability) performed at Invitae indicates that this missense variant is expected to disrupt EPHB4 protein function. In summary, the available evidence is currently insufficient to determine the role of this variant in disease. Therefore, it has been classified as a Variant of Uncertain Significance. This variant is present in population databases (rs759058404, gnomAD 0.01%). This sequence change replaces serine, which is neutral and polar, with cysteine, which is neutral and slightly polar, at codon 294 of the EPHB4 protein (p.Ser294Cys).

NM_004444.5(EPHB4):c.881C>G (p.Ser294Cys)

Gene: EPHB4 (EPH receptor B4; minus strand). Cytogenetic location: 7q22.1.
Variant type: single nucleotide variant.
Coding change: c.881C>G on transcript NM_004444.5 (MANE Select); coding-DNA position 881, C replaced by G.
Protein change: p.Ser294Cys; replaces serine 294 with cysteine.
Molecular consequence: missense variant.
Genome position (GRCh38, 1-based): chr7:100,820,224, G>C on the plus strand (C>G on the coding strand, the complement: EPHB4 is on the minus strand). VCF-style: chr7-100820224-G-C. GRCh37 (hg19) VCF-style: chr7-100417846-G-C.
Other names: c.881C>G (NM_004444.4); short protein forms S294C.
Identifiers: ClinVar variation 2883851 (VCV002883851.4), dbSNP rs759058404, ClinGen allele CA4393174.